The following is an entry in ClinVar:

NM_001035.3(RYR2):c.7569C>T (p.Ala2523=)

Gene: RYR2 (ryanodine receptor 2; plus strand). Cytogenetic location: 1q43.
Variant type: single nucleotide variant.
Coding change: c.7569C>T on transcript NM_001035.3 (MANE Select); coding-DNA position 7569, C replaced by T.
Protein change: p.Ala2523=; no amino-acid change (alanine 2523 retained).
Molecular consequence: synonymous variant.
Genome position (GRCh38, 1-based): chr1:237,649,933, C>T. VCF-style: chr1-237649933-C-T. GRCh37 (hg19) VCF-style: chr1-237813233-C-T.
Other names: c.7569C>T, p.Ala2523= (LRG_402t1).
Identifiers: ClinVar variation 463638 (VCV000463638.19), dbSNP rs748943528, ClinGen allele CA087429.

ClinVar aggregate classification (germline): Likely benign. Review status: criteria provided, multiple submitters, no conflicts (2 of 4 stars). 6 submissions from 6 submitters: Likely benign (6). Last evaluated 2026-02-01.

Conditions:
Cardiovascular phenotype. Identifiers: MedGen CN230736.
Catecholaminergic polymorphic ventricular tachycardia 1. Also called: VENTRICULAR TACHYCARDIA, CATECHOLAMINERGIC POLYMORPHIC, 1, WITH OR WITHOUT ATRIAL DYSFUNCTION AND/OR DILATED CARDIOMYOPATHY; RYR2-Related Catecholaminergic Polymorphic Ventricular Tachycardia; VENTRICULAR TACHYCARDIA, STRESS-INDUCED POLYMORPHIC 1. Identifiers: Orphanet 3286, MedGen C1631597, MONDO:0011484, OMIM 604772.
Catecholaminergic polymorphic ventricular tachycardia (CVPT). Also called: Catecholamine-induced polymorphic ventricular tachycardia. Identifiers: Orphanet 3286, MedGen C5574922, MONDO:0017990.
Cardiomyopathy (CMYO). Also called: Cardiomyopathies. Identifiers: Orphanet 167848, MedGen C0878544, MONDO:0004994, HP:0001638. Inheritance: Various modes of inheritance.

Allele frequency attached by ClinVar (database versions not stated): gnomAD 0.00003 and 0.00004; TOPMed 0.00005.
gnomAD v4.1: 81 of 1,613,848 alleles (0.005%); highest among the groups gnomAD compares: East Asian, 0.016%; no homozygotes.

Submissions (6):

Labcorp Genetics (formerly Invitae), Labcorp
Classification: Likely benign for Catecholaminergic polymorphic ventricular tachycardia 1. Last evaluated: 2026-02-01. Review status: criteria provided, single submitter. Criteria: Invitae Variant Classification Sherloc (09022015). Collection method: clinical testing. Allele origin: germline.

Blueprint Genetics
Classification: Likely benign. Last evaluated: 2024-10-22. Review status: criteria provided, single submitter. Criteria: ACMG Guidelines, 2015. Collection method: clinical testing. Allele origin: germline.

All of Us Research Program, National Institutes of Health
Classification: Likely benign for Catecholaminergic polymorphic ventricular tachycardia. Last evaluated: 2024-01-22. Review status: criteria provided, single submitter. Criteria: ACMG Guidelines, 2015. Collection method: clinical testing. Allele origin: germline. Inheritance: Autosomal dominant inheritance. Observed: 12 variant alleles, 12 heterozygotes.
Comment: This study involves interpretation of variants in research participants for the purpose of population health screening. Participant phenotype was not available at the time of variant classification. Additional details can be found in publication PMID: 35346344, PMCID: PMC8962531

Ambry Genetics
Classification: Likely benign for Cardiovascular phenotype. Last evaluated: 2023-05-28. Review status: criteria provided, single submitter. Criteria: Ambry Variant Classification Scheme 2023. Collection method: clinical testing. Allele origin: germline.

GeneDx
Classification: Likely benign. Last evaluated: 2020-09-03. Review status: criteria provided, single submitter. Criteria: GeneDx Variant Classification Process June 2021. Collection method: clinical testing. Allele origin: germline. Affected: yes.

Color Diagnostics, LLC DBA Color Health
Classification: Likely benign for Cardiomyopathy. Last evaluated: 2018-05-11. Review status: criteria provided, single submitter. Criteria: ACMG Guidelines, 2015. Collection method: clinical testing. Allele origin: germline.